The following is an entry in ClinVar:

ClinVar aggregate classification (germline): Likely benign. Review status: criteria provided, multiple submitters, no conflicts (2 of 4 stars). 2 submissions from 2 submitters: Likely benign (2). Last evaluated 2025-02-24.

Allele frequency attached by ClinVar (database versions not stated): gnomAD 0.00001; TOPMed 0.00001.
gnomAD v4.1: 88 of 1,550,366 alleles (0.0057%); highest among the groups gnomAD compares: Middle Eastern, 0.017%; no homozygotes.

Submissions (2):

Labcorp Genetics (formerly Invitae), Labcorp
Classification: Likely benign. Last evaluated: 2025-02-24. Review status: criteria provided, single submitter. Criteria: Invitae Variant Classification Sherloc (09022015). Collection method: clinical testing. Allele origin: germline.

Laboratory for Molecular Medicine, Mass General Brigham Personalized Medicine
Classification: Likely benign. Last evaluated: 2016-10-06. Review status: criteria provided, single submitter. Criteria: LMM Criteria. Collection method: clinical testing. Allele origin: germline. Observed: 1 variant allele.
Comment: p.Ser2005Ser in exon 35 of OTOG: This variant is not expected to have clinical s ignificance because it does not alter an amino acid residue and is not located w ithin the splice consensus sequence.

NM_001292063.2(OTOG):c.5979G>A (p.Ser1993=)

Gene: OTOG (otogelin; plus strand). Cytogenetic location: 11p15.1.
Variant type: single nucleotide variant.
Coding change: c.5979G>A on transcript NM_001292063.2 (MANE Select); coding-DNA position 5979, G replaced by A.
Protein change: p.Ser1993=; no amino-acid change (serine 1993 retained).
Molecular consequence: synonymous variant.
Genome position (GRCh38, 1-based): chr11:17,611,279, G>A. VCF-style: chr11-17611279-G-A. GRCh37 (hg19) VCF-style: chr11-17632826-G-A.
Other names: c.6015G>A, p.Ser2005= (NM_001277269.2).
Identifiers: ClinVar variation 505343 (VCV000505343.9), dbSNP rs925237259, ClinGen allele CA218477332.
Genomic context (GRCh38, chr11:17,611,279, plus strand): 5'-GGCCCCCCAAGACAGCATGCTGGTTCTGTTGCCTCAGCTGGCTGAGGCCCATGGAACCTC[G>A]GCAGGGCCTCACCTGGCAGCAGAGCCGGTGGACGAGGCCACCACAGAACCATCTGGGCGC-3'
Protein context (NP_001278992.1, residues 1983-2003): LPQLAEAHGT[Ser1993=]AGPHLAAEPV